The following is an entry in ClinVar:

NM_000535.7(PMS2):c.76A>C (p.Ile26Leu)

Gene: PMS2 (PMS1 homolog 2, mismatch repair system component; minus strand). Cytogenetic location: 7p22.1.
Variant type: single nucleotide variant.
Coding change: c.76A>C on transcript NM_000535.7 (MANE Select); coding-DNA position 76, A replaced by C.
Protein change: p.Ile26Leu; replaces isoleucine 26 with leucine.
Molecular consequence: missense variant. On other transcripts: 5 prime UTR variant (8), non-coding transcript variant (1), intron variant (3).
Genome position (GRCh38, 1-based): chr7:6,005,979, T>G on the plus strand (A>C on the coding strand, the complement: PMS2 is on the minus strand). VCF-style: chr7-6005979-T-G. GRCh37 (hg19) VCF-style: chr7-6045610-T-G.
Other names: c.-330A>C (NM_001322003.2, NM_001322005.2, NM_001322009.2 and 1 more transcripts); c.76A>C, p.Ile26Leu (NM_001322006.2, NM_001322014.2); c.-140A>C (NM_001322007.2); c.-809A>C (NM_001322011.2, NM_001322012.2); c.-409A>C (NM_001322015.2); c.-52-1921A>C (NM_001322008.2); c.-242-1921A>C (NM_001322010.2, NM_001322004.2); short protein forms I26L.
Identifiers: ClinVar variation 836850 (VCV000836850.9), dbSNP rs1412094620, ClinGen allele CA366745108.

ClinVar aggregate classification (germline): Uncertain significance (1 of 4 stars; one submission).

Conditions:
Hereditary nonpolyposis colorectal neoplasms. Identifiers: MedGen C0009405, MeSH D003123.

Submission:

Labcorp Genetics (formerly Invitae), Labcorp
Classification: Uncertain significance for Hereditary nonpolyposis colorectal neoplasms. Last evaluated: 2019-02-04. Review status: criteria provided, single submitter. Criteria: Invitae Variant Classification Sherloc (09022015). Collection method: clinical testing. Allele origin: germline.
Comment: Algorithms developed to predict the effect of missense changes on protein structure and function are either unavailable or do not agree on the potential impact of this missense change (SIFT: "Deleterious"; PolyPhen-2: "Probably Damaging"; Align-GVGD: "Class C0"). This sequence change replaces isoleucine with leucine at codon 26 of the PMS2 protein (p.Ile26Leu). The isoleucine residue is highly conserved and there is a small physicochemical difference between isoleucine and leucine. This variant is not present in population databases (ExAC no frequency). This variant has not been reported in the literature in individuals with PMS2-related conditions. In summary, the available evidence is currently insufficient to determine the role of this variant in disease. Therefore, it has been classified as a Variant of Uncertain Significance.